The following is an entry in ClinVar:

ClinVar aggregate classification (germline): Conflicting classifications of pathogenicity. Review status: criteria provided, conflicting classifications (1 of 4 stars). 2 submissions from 2 submitters: Uncertain significance (1); Likely benign (1). Last evaluated 2022-06-10.

Conditions:
Inborn genetic diseases. Identifiers: MedGen C0950123, MeSH D030342.

Allele frequency attached by ClinVar (database versions not stated): gnomAD 0.00003 and 0.00004; gnomAD exomes 0.00003 and 0.00006; ExAC 0.00006; TOPMed 0.00008.
gnomAD v4.1: 49 of 1,613,504 alleles (0.003%); highest among the groups gnomAD compares: Admixed American, 0.028%; no homozygotes.

Submissions (2):

Labcorp Genetics (formerly Invitae), Labcorp
Classification: Uncertain significance. Last evaluated: 2022-06-10. Review status: criteria provided, single submitter. Criteria: Invitae Variant Classification Sherloc (09022015). Collection method: clinical testing. Allele origin: germline.
Comment: Algorithms developed to predict the effect of missense changes on protein structure and function are either unavailable or do not agree on the potential impact of this missense change (SIFT: "Deleterious"; PolyPhen-2: "Benign"; Align-GVGD: "Class C25"). In summary, the available evidence is currently insufficient to determine the role of this variant in disease. Therefore, it has been classified as a Variant of Uncertain Significance. This variant has not been reported in the literature in individuals affected with PLOD3-related conditions. This sequence change replaces arginine, which is basic and polar, with cysteine, which is neutral and slightly polar, at codon 237 of the PLOD3 protein (p.Arg237Cys). This variant is present in population databases (rs761931995, gnomAD 0.03%).

Ambry Genetics
Classification: Likely benign for Inborn genetic diseases. Last evaluated: 2022-04-07. Review status: criteria provided, single submitter. Criteria: Ambry Variant Classification Scheme 2023. Collection method: clinical testing. Allele origin: germline.

NM_001084.5(PLOD3):c.709C>T (p.Arg237Cys)

Gene: PLOD3 (procollagen-lysine,2-oxoglutarate 5-dioxygenase 3; minus strand). Cytogenetic location: 7q22.1.
Variant type: single nucleotide variant.
Coding change: c.709C>T on transcript NM_001084.5 (MANE Select); coding-DNA position 709, C replaced by T.
Protein change: p.Arg237Cys; replaces arginine 237 with cysteine.
Molecular consequence: missense variant.
Genome position (GRCh38, 1-based): chr7:101,213,175, G>A on the plus strand (C>T on the coding strand, the complement: PLOD3 is on the minus strand). VCF-style: chr7-101213175-G-A. GRCh37 (hg19) VCF-style: chr7-100856456-G-A.
Other names: c.709C>T (NM_001084.4); short protein forms R237C.
Identifiers: ClinVar variation 1400384 (VCV001400384.7), dbSNP rs761931995, ClinGen allele CA4408059.